The following is an entry in ClinVar:

NM_006767.4(LZTR1):c.2134G>C (p.Glu712Gln)

Gene: LZTR1 (leucine zipper like post translational regulator 1; plus strand). Cytogenetic location: 22q11.21.
Variant type: single nucleotide variant.
Coding change: c.2134G>C on transcript NM_006767.4 (MANE Select); coding-DNA position 2134, G replaced by C.
Protein change: p.Glu712Gln; replaces glutamic acid 712 with glutamine.
Molecular consequence: missense variant.
Genome position (GRCh38, 1-based): chr22:20,996,027, G>C. VCF-style: chr22-20996027-G-C. GRCh37 (hg19) VCF-style: chr22-21350316-G-C.
Other names: short protein forms E712Q.
Identifiers: ClinVar variation 984527 (VCV000984527.16), dbSNP rs1409419929, ClinGen allele CA410779509.

ClinVar aggregate classification (germline): Uncertain significance. Review status: criteria provided, multiple submitters, no conflicts (2 of 4 stars). 6 submissions from 6 submitters: Uncertain significance (6). Last evaluated 2025-09-09.

Conditions:
Hereditary cancer-predisposing syndrome. Also called: Neoplastic Syndromes, Hereditary; Tumor predisposition; Hereditary neoplastic syndrome; Hereditary Cancer Syndrome. Identifiers: Orphanet 140162, MedGen C0027672, MeSH D009386, MONDO:0015356.
Cardiovascular phenotype. Identifiers: MedGen CN230736.
LZTR1-related schwannomatosis. Also called: Schwannomatosis 2; Schwannomatosis-2, susceptibility to. Identifiers: Orphanet 93921, MedGen C3810283, MONDO:0014299, OMIM 615670.
LZTR1-related disorder. Also called: LZTR1-related disorders; LZTR1-related condition.

gnomAD v4.1: 2 of 1,613,722 alleles (0.00012%); highest among the groups gnomAD compares: Admixed American, 0.0033%; no homozygotes.

Submissions (6):

PreventionGenetics, part of Exact Sciences
Classification: Uncertain significance for LZTR1-related condition. Last evaluated: 2025-09-09. Review status: criteria provided, single submitter. Criteria: ACMG Guidelines, 2015. Collection method: clinical testing. Allele origin: germline.
Comment: The LZTR1 c.2134G>C variant is predicted to result in the amino acid substitution p.Glu712Gln. To our knowledge, this variant has not been reported in the literature or in a large population database (gnomAD), indicating this variant is rare. At this time, the clinical significance of this variant is uncertain due to the absence of conclusive functional and genetic evidence.

Ambry Genetics
Classification: Uncertain significance for Cardiovascular phenotype; Hereditary cancer-predisposing syndrome. Last evaluated: 2024-07-10. Review status: criteria provided, single submitter. Criteria: Ambry Variant Classification Scheme 2023. Collection method: clinical testing. Allele origin: germline.
Comment: The p.E712Q variant (also known as c.2134G>C), located in coding exon 18 of the LZTR1 gene, results from a G to C substitution at nucleotide position 2134. The glutamic acid at codon 712 is replaced by glutamine, an amino acid with highly similar properties. This amino acid position is highly conserved in available vertebrate species. In addition, this alteration is predicted to be deleterious by in silico analysis. Based on the available evidence, the clinical significance of this variant remains unclear.

Labcorp Genetics (formerly Invitae), Labcorp
Classification: Uncertain significance. Last evaluated: 2024-04-15. Review status: criteria provided, single submitter. Criteria: Invitae Variant Classification Sherloc (09022015). Collection method: clinical testing. Allele origin: germline.
Comment: This sequence change replaces glutamic acid, which is acidic and polar, with glutamine, which is neutral and polar, at codon 712 of the LZTR1 protein (p.Glu712Gln). This variant is not present in population databases (gnomAD no frequency). This variant has not been reported in the literature in individuals affected with LZTR1-related conditions. ClinVar contains an entry for this variant (Variation ID: 984527). Advanced modeling of protein sequence and biophysical properties (such as structural, functional, and spatial information, amino acid conservation, physicochemical variation, residue mobility, and thermodynamic stability) performed at Invitae indicates that this missense variant is not expected to disrupt LZTR1 protein function with a negative predictive value of 80%. In summary, the available evidence is currently insufficient to determine the role of this variant in disease. Therefore, it has been classified as a Variant of Uncertain Significance.

Baylor Genetics
Classification: Uncertain significance for LZTR1-related schwannomatosis. Last evaluated: 2024-03-22. Review status: criteria provided, single submitter. Criteria: ACMG Guidelines, 2015. Collection method: clinical testing. Allele origin: unknown.

GeneDx
Classification: Uncertain significance. Last evaluated: 2023-11-26. Review status: criteria provided, single submitter. Criteria: GeneDx Variant Classification Process June 2021. Collection method: clinical testing. Allele origin: germline. Affected: yes.
Comment: Not observed at significant frequency in large population cohorts (gnomAD); In silico analysis supports that this missense variant does not alter protein structure/function; Has not been previously published as pathogenic or benign to our knowledge

Women's Health and Genetics/Laboratory Corporation of America, LabCorp
Classification: Uncertain significance. Last evaluated: 2020-10-26. Review status: criteria provided, single submitter. Criteria: LabCorp Variant Classification Summary - May 2015. Collection method: clinical testing. Allele origin: germline.
Comment: Variant summary: LZTR1 c.2134G>C (p.Glu712Gln) results in a conservative amino acid change located in the BTB/POZ domain (IPR000210) of the encoded protein sequence. Three of five in-silico tools predict a damaging effect of the variant on protein function. The variant was absent in 251212 control chromosomes. The available data on variant occurrences in the general population are insufficient to allow any conclusion about variant significance. To our knowledge, no occurrence of c.2134G>C in individuals affected with Noonan Syndrome and no experimental evidence demonstrating its impact on protein function have been reported. No clinical diagnostic laboratories have submitted clinical-significance assessments for this variant to ClinVar after 2014. Based on the evidence outlined above, the variant was classified as uncertain significance.